The following is an entry in ClinVar:

ClinVar aggregate classification (germline): Uncertain significance (1 of 4 stars; one submission).

Allele frequency attached by ClinVar (database versions not stated): gnomAD exomes below 0.00001.
gnomAD v4.1: 1 of 1,614,070 alleles (0.000062%); highest among the groups gnomAD compares: Non-Finnish European, 0.000085%; no homozygotes.

Submission:

Ambry Genetics
Classification: Uncertain significance. Last evaluated: 2022-01-13. Review status: criteria provided, single submitter. Criteria: Ambry Variant Classification Scheme 2023. Collection method: clinical testing. Allele origin: germline.
Comment: The p.S370F variant (also known as c.1109C>T), located in coding exon 9 of the FAM175A gene, results from a C to T substitution at nucleotide position 1109. The serine at codon 370 is replaced by phenylalanine, an amino acid with highly dissimilar properties. This amino acid position is conserved. In addition, this alteration is predicted to be tolerated by in silico analysis. Since supporting evidence is limited at this time, the clinical significance of this alteration remains unclear.

NM_139076.3(ABRAXAS1):c.1109C>T (p.Ser370Phe)

Gene: ABRAXAS1 (abraxas 1, BRCA1 A complex subunit; minus strand). Cytogenetic location: 4q21.23.
Variant type: single nucleotide variant.
Coding change: c.1109C>T on transcript NM_139076.3 (MANE Select); coding-DNA position 1109, C replaced by T.
Protein change: p.Ser370Phe; replaces serine 370 with phenylalanine.
Molecular consequence: missense variant.
Genome position (GRCh38, 1-based): chr4:83,462,590, G>A on the plus strand (C>T on the coding strand, the complement: ABRAXAS1 is on the minus strand). VCF-style: chr4-83462590-G-A. GRCh37 (hg19) VCF-style: chr4-84383743-G-A.
Other names: c.782C>T, p.Ser261Phe (NM_001345962.2); short protein forms S261F, S370F.
Identifiers: ClinVar variation 1799922 (VCV001799922.2), dbSNP rs2529418180, ClinGen allele CA357255114.